The following is an entry in ClinVar:

NM_000188.3(HK1):c.1542del (p.Phe515fs)

Gene: HK1 (hexokinase 1; plus strand). Cytogenetic location: 10q22.1.
Variant type: Deletion.
Coding change: c.1542del on transcript NM_000188.3 (MANE Select); coding-DNA position 1542, one base deleted (C; older notation c.1542delC).
Protein change: p.Phe515fs; shifts the reading frame from phenylalanine 515.
Molecular consequence: frameshift variant. On other transcripts: non-coding transcript variant (2).
Genome position (GRCh38, 1-based): chr10:69,382,763, C deleted; the last of 2 consecutive C bases (chr10:69,382,762-69,382,763); deleting either gives the same sequence. VCF-style (leftmost placement, unchanged base first): chr10-69382761-TC-T. GRCh37 (hg19) VCF-style: chr10-71142517-TC-T.
Other names: c.1554del, p.Phe519fs (NM_001322364.2, NM_001358263.1, NM_033497.3 and 1 more transcripts); c.1647del, p.Phe550fs (NM_001322365.2); c.1458del, p.Phe487fs (NM_001322366.1, NM_001441143.1); c.1446del, p.Phe483fs (NM_001322367.1); c.1542del, p.Phe515fs (NM_001441139.1, NM_001441141.1, NM_001441145.1 and 2 more transcripts); c.1533del, p.Phe512fs (NM_001441140.1); c.1500del, p.Phe501fs (NM_001441142.1); c.1422del, p.Phe475fs (NM_001441144.1); and 8 more; short protein forms F179fs, F277fs, F302fs, F385fs, F393fs, F441fs, F475fs, F483fs.
Identifiers: ClinVar variation 4687917 (VCV004687917.1).

ClinVar aggregate classification (germline): Likely pathogenic (1 of 4 stars; one submission).

Conditions:
Neurodevelopmental disorder with visual defects and brain anomalies. Identifiers: MedGen C5231404, MONDO:0032807, OMIM 618547.

Submission:

Human Genetics Bochum, Ruhr University Bochum
Classification: Likely pathogenic for Neurodevelopmental disorder with visual defects and brain anomalies. Last evaluated: 2025-05-13. Review status: criteria provided, single submitter. Criteria: ACMG Guidelines, 2015. Collection method: clinical testing. Allele origin: germline. Affected: yes.
Comment: ACMG criteria used to clasify this variant: PVS1_STR, PP3_STR, PM2_SUP